The following is an entry in ClinVar:

NM_201253.3(CRB1):c.3996C>G (p.Cys1332Trp)

Gene: CRB1 (crumbs cell polarity complex component 1; plus strand). Cytogenetic location: 1q31.3.
Variant type: single nucleotide variant.
Coding change: c.3996C>G on transcript NM_201253.3 (MANE Select); coding-DNA position 3996, C replaced by G.
Protein change: p.Cys1332Trp; replaces cysteine 1332 with tryptophan.
Molecular consequence: missense variant. On other transcripts: non-coding transcript variant (2).
Genome position (GRCh38, 1-based): chr1:197,442,283, C>G. VCF-style: chr1-197442283-C-G. GRCh37 (hg19) VCF-style: chr1-197411413-C-G.
Other names: c.3660C>G, p.Cys1220Trp (NM_001193640.2); c.3924C>G, p.Cys1308Trp (NM_001257965.2); c.2388C>G, p.Cys796Trp (NM_001257966.2); short protein forms C1220W, C1308W, C1332W, C796W.
Identifiers: ClinVar variation 1008477 (VCV001008477.10), dbSNP rs1665487563, ClinGen allele CA344052724.

ClinVar aggregate classification (germline): Likely pathogenic (1 of 4 stars; one submission).

Conditions:
Retinitis pigmentosa 12 (RP12). Also called: RP WITH OR WITHOUT PRESERVED PARAARTERIOLE RETINAL PIGMENT EPITHELIUM; RETINITIS PIGMENTOSA WITH OR WITHOUT PARAARTERIOLAR PRESERVATION OF RETINAL PIGMENT EPITHELIUM; RP WITH OR WITHOUT PPRPE. Identifiers: Orphanet 791, MedGen C1838647, MONDO:0010818, OMIM 600105.
Leber congenital amaurosis 8 (LCA8). Identifiers: Orphanet 65, MedGen C3151202, MONDO:0013453, OMIM 613835.

Submission:

Labcorp Genetics (formerly Invitae), Labcorp
Classification: Likely pathogenic for Leber congenital amaurosis 8; Retinitis pigmentosa 12. Last evaluated: 2025-03-30. Review status: criteria provided, single submitter. Criteria: Invitae Variant Classification Sherloc (09022015). Collection method: clinical testing. Allele origin: germline.
Comment: This sequence change replaces cysteine, which is neutral and slightly polar, with tryptophan, which is neutral and slightly polar, at codon 1332 of the CRB1 protein (p.Cys1332Trp). This variant is not present in population databases (gnomAD no frequency). This missense change has been observed in individual(s) with clinical features of retinitis pigmentosa (internal data). ClinVar contains an entry for this variant (Variation ID: 1008477). Invitae Evidence Modeling of protein sequence and biophysical properties (such as structural, functional, and spatial information, amino acid conservation, physicochemical variation, residue mobility, and thermodynamic stability) indicates that this missense variant is expected to disrupt CRB1 protein function with a positive predictive value of 95%. This variant disrupts the p.Cys1332 amino acid residue in CRB1. Other variant(s) that disrupt this residue have been observed in individuals with CRB1-related conditions (PMID: 18055821, 26103963), which suggests that this may be a clinically significant amino acid residue. In summary, the currently available evidence indicates that the variant is pathogenic, but additional data are needed to prove that conclusively. Therefore, this variant has been classified as Likely Pathogenic.

Literature cited by the submitters: PubMed 18055821; PubMed 26103963.